The following is an entry in ClinVar:

NM_014967.5(FAN1):c.2862T>C (p.Cys954=)

Genes: MTMR10 (myotubularin related protein 10; minus strand), FAN1 (FANCD2 and FANCI associated nuclease 1; plus strand). Cytogenetic location: 15q13.3.
Variant type: single nucleotide variant.
Coding change: c.2862T>C on transcript NM_014967.5 (MANE Select); coding-DNA position 2862, T replaced by C.
Protein change: p.Cys954=; no amino-acid change (cysteine 954 retained).
Molecular consequence: synonymous variant.
Genome position (GRCh38, 1-based): chr15:30,930,617, T>C. VCF-style: chr15-30930617-T-C. GRCh37 (hg19) VCF-style: chr15-31222820-T-C.
Identifiers: ClinVar variation 728233 (VCV000728233.14), dbSNP rs143428659, ClinGen allele CA7450801.
Genomic context (GRCh38, chr15:30,930,617, plus strand): 5'-CCTGGGGGGCCCTGTGCTCAGTGGTGTGTGCAGGCACCTGGCTGCTGACTTTCGACACTG[T>C]CGAGGGGGCCTCCCCGACCTGGTGGTGTGGAACTCCCAGAGCCGTCACTTTAAGGTCAGT-3'
Protein context (NP_055782.3, residues 944-964): CRHLAADFRH[Cys954=]RGGLPDLVVW

ClinVar aggregate classification (germline): Benign/Likely benign. Review status: criteria provided, multiple submitters, no conflicts (2 of 4 stars). 5 submissions from 5 submitters: Benign (2); Likely benign (2). 1 of the submissions does not count toward it. Last evaluated 2026-02-01.

Conditions:
FAN1-related disorder. Also called: FAN1-related condition.
Karyomegalic interstitial nephritis. Identifiers: Orphanet 401996, MedGen C3553774, MONDO:0013898, OMIM 614817.

Allele frequency attached by ClinVar (database versions not stated): gnomAD exomes 0.00015 and 0.00078; gnomAD 0.00024 and 0.00035; TOPMed 0.00034; ExAC 0.00067; 1000 Genomes Project 30x 0.00328; 1000 Genomes Project 0.00339.
gnomAD v4.1: 312 of 1,612,998 alleles (0.019%); highest among the groups gnomAD compares: East Asian, 0.54%; 4 homozygotes.

Submissions (5):

Labcorp Genetics (formerly Invitae), Labcorp
Classification: Benign. Last evaluated: 2026-02-01. Review status: criteria provided, single submitter. Criteria: Invitae Variant Classification Sherloc (09022015). Collection method: clinical testing. Allele origin: germline.

Blueprint Genetics
Classification: Likely benign. Last evaluated: 2024-10-11. Review status: criteria provided, single submitter. Criteria: ACMG Guidelines, 2015. Collection method: clinical testing. Allele origin: germline.

Fulgent Genetics
Classification: Likely benign for Karyomegalic interstitial nephritis. Last evaluated: 2021-09-03. Review status: criteria provided, single submitter. Criteria: ACMG Guidelines, 2015. Collection method: clinical testing. Allele origin: unknown.

Breakthrough Genomics
Classification: Benign. Review status: criteria provided, single submitter. Criteria: ACMG Guidelines, 2015. Collection method: not provided. Allele origin: germline. Inheritance: Autosomal recessive inheritance. Affected: yes.

PreventionGenetics, part of Exact Sciences
Classification: Benign for FAN1-related condition. Last evaluated: 2024-05-31. Review status: no assertion criteria provided. Collection method: clinical testing. Allele origin: germline. Not counted in ClinVar's aggregate classification.
Comment: This variant is classified as benign based on ACMG/AMP sequence variant interpretation guidelines (Richards et al. 2015 PMID: 25741868, with internal and published modifications).